The following is an entry in ClinVar:

ClinVar aggregate classification (germline): Pathogenic (1 of 4 stars; one submission).

Conditions:
Congenital adrenal hyperplasia due to cytochrome P450 oxidoreductase deficiency. Also called: DISORDERED STEROIDOGENESIS DUE TO POR DEFICIENCY. Identifiers: Orphanet 95699, MedGen C1860042, MONDO:0013310, OMIM 613571.

Submission:

Labcorp Genetics (formerly Invitae), Labcorp
Classification: Pathogenic for Congenital adrenal hyperplasia due to cytochrome P450 oxidoreductase deficiency. Last evaluated: 2025-11-18. Review status: criteria provided, single submitter. Criteria: Invitae Variant Classification Sherloc (09022015). Collection method: clinical testing. Allele origin: germline.
Comment: This sequence change creates a premature translational stop signal (p.Lys518Trpfs*34) in the POR gene. It is expected to result in an absent or disrupted protein product. Loss-of-function variants in POR are known to be pathogenic (PMID: 14758361, 20732302, 21741353). This variant is not present in population databases (gnomAD no frequency). This variant has not been reported in the literature in individuals affected with POR-related conditions. ClinVar contains an entry for this variant (Variation ID: 2806796). For these reasons, this variant has been classified as Pathogenic.

Literature cited by the submitters: PubMed 14758361; PubMed 20732302; PubMed 21741353.

NM_001395413.1(POR):c.1523_1542dup (p.Lys515fs)

Gene: POR (cytochrome p450 oxidoreductase; plus strand). Cytogenetic location: 7q11.23.
Variant type: Duplication.
Coding change: c.1523_1542dup on transcript NM_001395413.1 (MANE Select); coding-DNA positions 1523 to 1542, 20 bases duplicated (TGGTGCCCATGTTCGTGCGC).
Protein change: p.Lys515fs; shifts the reading frame from lysine 515.
Molecular consequence: frameshift variant.
Genome position (GRCh38, 1-based): chr7:75,985,712-75,985,731, TGGTGCCCATGTTCGTGCGC duplicated; duplicating any 20 consecutive bases within chr7:75,985,705-75,985,731 gives the same sequence; the c. name uses the placement nearest the transcript's 3' end. VCF-style (leftmost placement, unchanged base first): chr7-75985704-C-CCGTGCGCTGGTGCCCATGTT. GRCh37 (hg19) VCF-style: chr7-75615022-C-CCGTGCGCTGGTGCCCATGTT.
Other names: c.1532_1551dup, p.Lys518Trpfs (NM_000941.2, NM_000941.3); c.1523_1542dup, p.Lys515fs (NM_001367562.3, NM_001382657.2, NM_001382658.3 and 1 more transcripts); c.1577_1596dup, p.Lys533fs (NM_001382655.3); c.1373_1392dup, p.Lys465fs (NM_001382662.3); short protein forms K465fs, K533fs, K515fs.
Identifiers: ClinVar variation 2806796 (VCV002806796.3), dbSNP rs1789402781, ClinGen allele CA1103270719.